The following is an entry in ClinVar:

ClinVar aggregate classification (germline): Uncertain significance (1 of 4 stars; one submission).

Submission:

CeGaT Center for Human Genetics Tuebingen
Classification: Uncertain significance. Last evaluated: 2026-07-01. Review status: criteria provided, single submitter. Criteria: CeGaT Center For Human Genetics Tuebingen Variant Classification Criteria Version 2. Collection method: clinical testing. Allele origin: germline. Affected: yes. Observed: 1 variant allele.
Comment: DNM1: PM2, PP2, PP3

NM_004408.4(DNM1):c.1031T>A (p.Ile344Asn)

Gene: DNM1 (dynamin 1; plus strand). Cytogenetic location: 9q34.11.
Variant type: single nucleotide variant.
Coding change: c.1031T>A on transcript NM_004408.4 (MANE Select); coding-DNA position 1031, T replaced by A.
Protein change: p.Ile344Asn; replaces isoleucine 344 with asparagine.
Molecular consequence: missense variant.
Genome position (GRCh38, 1-based): chr9:128,222,499, T>A. VCF-style: chr9-128222499-T-A. GRCh37 (hg19) VCF-style: chr9-130984778-T-A.
Other names: c.1031T>A, p.Ile344Asn (NM_001005336.3, NM_001288737.2, NM_001288738.2 and 2 more transcripts); short protein forms I344N.
Identifiers: ClinVar variation 5039968 (VCV005039968.1).
Genomic context (GRCh38, chr9:128,222,499, plus strand): 5'-GGCCACACCACTCTCCCACCAGGATGGTCCAGCAGTTCGCCGTAGACTTTGAGAAGCGCA[T>A]TGAGGGCTCAGGAGATCAGATCGACACCTACGAACTGTCAGGGGGAGCCCGCATTAACCG-3'
Protein context (NP_004399.2, residues 334-354): QQFAVDFEKR[Ile344Asn]EGSGDQIDTY